The following is an entry in ClinVar:

ClinVar aggregate classification (germline): Conflicting classifications of pathogenicity. Review status: criteria provided, conflicting classifications (1 of 4 stars). 2 submissions from 2 submitters: Uncertain significance (1); Likely benign (1). Last evaluated 2024-03-14.

Allele frequency attached by ClinVar (database versions not stated): gnomAD exomes 0.00004; ExAC 0.00006; TOPMed 0.00013; ESP Exome Variant Server 0.00015; gnomAD 0.00016.

Submissions (2):

Labcorp Genetics (formerly Invitae), Labcorp
Classification: Likely benign. Last evaluated: 2024-03-14. Review status: criteria provided, single submitter. Criteria: Invitae Variant Classification Sherloc (09022015). Collection method: clinical testing. Allele origin: germline.

Laboratory for Molecular Medicine, Mass General Brigham Personalized Medicine
Classification: Uncertain significance. Last evaluated: 2016-10-18. Review status: criteria provided, single submitter. Criteria: LMM Criteria. Collection method: clinical testing. Allele origin: germline. Observed: 1 variant allele.
Comment: The p.Arg864Cys variant in OTOF has not been previously reported in individuals with hearing loss, but has been identified in 6/9980 African chromosomes by the Exome Aggregation Consortium (ExAC; dbSNP rs1500 70091). Computational prediction tools and conservation analysis suggest that th is variant may impact the protein, though this information is not predictive eno ugh to determine pathogenicity. In summary, the clinical significance of the p.A rg864Cys variant is uncertain.

NM_194248.3(OTOF):c.2590C>T (p.Arg864Cys)

Gene: OTOF (otoferlin; minus strand). Cytogenetic location: 2p23.3.
Variant type: single nucleotide variant.
Coding change: c.2590C>T on transcript NM_194248.3 (MANE Select); coding-DNA position 2590, C replaced by T.
Protein change: p.Arg864Cys; replaces arginine 864 with cysteine.
Molecular consequence: missense variant.
Genome position (GRCh38, 1-based): chr2:26,476,977, G>A on the plus strand (C>T on the coding strand, the complement: OTOF is on the minus strand). VCF-style: chr2-26476977-G-A. GRCh37 (hg19) VCF-style: chr2-26699845-G-A.
Other names: c.2590C>T, p.Arg864Cys (NM_001287489.2); c.349C>T, p.Arg117Cys (NM_004802.4, NM_194323.3); c.520C>T, p.Arg174Cys (NM_194322.3); short protein forms R864C, R117C, R174C.
Identifiers: ClinVar variation 504661 (VCV000504661.8), dbSNP rs150070091, ClinGen allele CA1563841.